The following is an entry in ClinVar:

NM_016122.3(CEP83):c.41A>G (p.Asn14Ser)

Gene: CEP83 (centrosomal protein 83; minus strand). Cytogenetic location: 12q22.
Variant type: single nucleotide variant.
Coding change: c.41A>G on transcript NM_016122.3 (MANE Select); coding-DNA position 41, A replaced by G.
Protein change: p.Asn14Ser; replaces asparagine 14 with serine.
Molecular consequence: missense variant. On other transcripts: non-coding transcript variant (1), intron variant (6).
Genome position (GRCh38, 1-based): chr12:94,412,450, T>C on the plus strand (A>G on the coding strand, the complement: CEP83 is on the minus strand). VCF-style: chr12-94412450-T-C. GRCh37 (hg19) VCF-style: chr12-94806226-T-C.
Other names: c.41A>G, p.Asn14Ser (NM_001042399.2, NM_001346457.2, NM_001346460.2 and 4 more transcripts); c.-140+67A>G (NM_001346459.2, NM_001346458.2, NM_001368040.1 and 3 more transcripts); short protein forms N14S.
Identifiers: ClinVar variation 1405488 (VCV001405488.8), dbSNP rs1267428590, ClinGen allele CA386144817.

ClinVar aggregate classification (germline): Uncertain significance (1 of 4 stars; one submission).

Conditions:
Nephronophthisis 18 (NPHP18). Identifiers: Orphanet 655, MedGen C3890591, MONDO:0014374, OMIM 615862.

Allele frequency attached by ClinVar (database versions not stated): gnomAD 0.00001; TOPMed 0.00002; gnomAD exomes 0.00004.
gnomAD v4.1: 54 of 1,612,736 alleles (0.0033%); highest among the groups gnomAD compares: Non-Finnish European, 0.0045%; no homozygotes.

Submission:

Labcorp Genetics (formerly Invitae), Labcorp
Classification: Uncertain significance for Nephronophthisis 18. Last evaluated: 2023-12-07. Review status: criteria provided, single submitter. Criteria: Invitae Variant Classification Sherloc (09022015). Collection method: clinical testing. Allele origin: germline.
Comment: This sequence change replaces asparagine, which is neutral and polar, with serine, which is neutral and polar, at codon 14 of the CEP83 protein (p.Asn14Ser). This variant is not present in population databases (gnomAD no frequency). This variant has not been reported in the literature in individuals affected with CEP83-related conditions. ClinVar contains an entry for this variant (Variation ID: 1405488). Algorithms developed to predict the effect of missense changes on protein structure and function output the following: SIFT: "Not Available"; PolyPhen-2: "Benign"; Align-GVGD: "Not Available". The serine amino acid residue is found in multiple mammalian species, which suggests that this missense change does not adversely affect protein function. In summary, the available evidence is currently insufficient to determine the role of this variant in disease. Therefore, it has been classified as a Variant of Uncertain Significance.